The following is an entry in ClinVar:

ClinVar aggregate classification (germline): Benign (1 of 4 stars; one submission).

Allele frequency attached by ClinVar (database versions not stated): 1000 Genomes Project 0.37959; 1000 Genomes Project 30x 0.38101; gnomAD 0.40489 and 0.41282; TOPMed 0.40653.
gnomAD v4.1: 61,421 of 151,948 alleles (40%); highest among the groups gnomAD compares: African/African-American, 49%; 12,853 homozygotes.

Submissions (4):

GeneDx
Classification: Benign. Last evaluated: 2018-06-14. Review status: criteria provided, single submitter. Criteria: GeneDx Variant Classification (06012015). Collection method: clinical testing. Allele origin: germline. Affected: yes.
Comment: This variant is considered likely benign or benign based on one or more of the following criteria: it is a conservative change, it occurs at a poorly conserved position in the protein, it is predicted to be benign by multiple in silico algorithms, and/or has population frequency not consistent with disease.

Dr. Peter K. Rogan Lab, Western University
No classification provided (evidence only). Condition: Cervical cancer. Review status: no classification provided. Collection method: in vitro. Allele origin: not applicable. Functional consequence: skipped exon. Not counted in ClinVar's aggregate classification.

Dr. Peter K. Rogan Lab, Western University
No classification provided (evidence only). Condition: Cervical cancer. Review status: no classification provided. Collection method: in vitro. Allele origin: not applicable. Functional consequence: skipped exon. Not counted in ClinVar's aggregate classification.

Dr. Peter K. Rogan Lab, Western University
No classification provided (evidence only). Condition: Uterine carcinosarcoma. Review status: no classification provided. Collection method: in vitro. Allele origin: not applicable. Functional consequence: retained intron. Not counted in ClinVar's aggregate classification.

NM_000260.4(MYO7A):c.1690+262A>G

Gene: MYO7A (myosin VIIA; plus strand). Cytogenetic location: 11q13.5.
Variant type: single nucleotide variant.
Coding change: c.1690+262A>G on transcript NM_000260.4 (MANE Select); 262 bases into the intron after coding-DNA position 1690, A replaced by G.
Molecular consequence: intron variant.
Genome position (GRCh38, 1-based): chr11:77,163,250, A>G. VCF-style: chr11-77163250-A-G. GRCh37 (hg19) VCF-style: chr11-76874296-A-G.
Other names: NC_000011.9:g.76874296A>G; c.1657+262A>G (NM_001369365.1); c.1690+262A>G (NM_001127180.2).
Identifiers: ClinVar variation 680664 (VCV000680664.2), dbSNP rs7937262, ClinGen allele CA13444957.
Genomic context (GRCh38, chr11:77,163,250, plus strand): 5'-CTGCTATCTATTTCCAGGGCTTTCTCACCGCCCCAAACAGAGGCTCTGCAAGCATGGGGC[A>G]GTAACTCCTTCCCCTACCCCCGGCCCCCTGTAACCTGTGTTCTACTTTCTGTCTGTGAGT-3'